The following is an entry in ClinVar:

ClinVar aggregate classification (germline): Likely pathogenic (1 of 4 stars; one submission).

Conditions:
Kartagener syndrome (CILD1). Also called: SIEWERT SYNDROME; CILIARY DYSKINESIA, PRIMARY, 1; CILIARY DYSKINESIA, PRIMARY, 1, WITH OR WITHOUT SITUS INVERSUS; IMMOTILE CILIA SYNDROME; POLYNESIAN BRONCHIECTASIS; Dextrocardia bronchiectasis and sinusitis. Identifiers: Orphanet 244, MedGen C4551906, MONDO:0009484, OMIM 244400.

Submission:

Coskunpinar Laboratory, Saglik Bilimleri University, Hamidiye School of Medicine
Classification: Likely pathogenic for Kartagener syndrome. Last evaluated: 2026-02-02. Review status: criteria provided, single submitter. Criteria: ACMG Guidelines, 2015. Collection method: research. Allele origin: germline. Affected: yes. Observed: 1 variant allele, 1 homozygote.
Comment: Novel exon deletion that results in frameshift variant in an established primary ciliary dyskinesia disease gene (OMIM:244400), predicted to result in loss of function. Classification is consistent with Qiagen Clinical Insight Interpret assessment which implements ACMG/AMP variant interpretation guidelines.

NM_001369.3(DNAH5):c.3263_3396del

Genes: DNAH5 (dynein axonemal heavy chain 5; minus strand), DNAH5-AS1 (DNAH5 antisense RNA 1; plus strand). Cytogenetic location: 5p15.2.
Variant type: Deletion.
Coding change: c.3263_3396del on transcript NM_001369.3 (MANE Select); coding-DNA positions 3263 to 3396, 134 bases deleted.
Molecular consequence: splice acceptor variant.
Genome position (GRCh38, 1-based): chr5:13,876,684-13,876,817, 134 bases deleted. GRCh37 (hg19): chr5:13,876,795-13,876,928.
Other names: p.Asp1088Glyfs*25.
Identifiers: ClinVar variation 4795793 (VCV004795793.1).